The following is an entry in ClinVar:

ClinVar aggregate classification (germline): Conflicting classifications of pathogenicity. Review status: criteria provided, conflicting classifications (1 of 4 stars). 2 submissions from 2 submitters: Uncertain significance (1); Likely benign (1). Last evaluated 2024-10-22.

Conditions:
Inborn genetic diseases. Identifiers: MedGen C0950123, MeSH D030342.

Allele frequency attached by ClinVar (database versions not stated): gnomAD exomes below 0.00001 and 0.00001; TOPMed below 0.00001; ExAC 0.00001.
gnomAD v4.1: 4 of 1,614,178 alleles (0.00025%); highest among the groups gnomAD compares: Admixed American, 0.0067%; no homozygotes.

Submissions (2):

Ambry Genetics
Classification: Likely benign for Inborn genetic diseases. Last evaluated: 2024-10-22. Review status: criteria provided, single submitter. Criteria: Ambry Variant Classification Scheme 2023. Collection method: clinical testing. Allele origin: germline.

Labcorp Genetics (formerly Invitae), Labcorp
Classification: Uncertain significance. Last evaluated: 2024-08-04. Review status: criteria provided, single submitter. Criteria: Invitae Variant Classification Sherloc (09022015). Collection method: clinical testing. Allele origin: germline.
Comment: This sequence change replaces glutamine, which is neutral and polar, with lysine, which is basic and polar, at codon 318 of the ALPL protein (p.Gln318Lys). This variant is present in population databases (rs752356218, gnomAD 0.003%). This variant has not been reported in the literature in individuals affected with ALPL-related conditions. ClinVar contains an entry for this variant (Variation ID: 1360402). An algorithm developed to predict the effect of missense changes on protein structure and function outputs the following: PolyPhen-2: "Benign". The lysine amino acid residue is found in multiple mammalian species, which suggests that this missense change does not adversely affect protein function. In summary, the available evidence is currently insufficient to determine the role of this variant in disease. Therefore, it has been classified as a Variant of Uncertain Significance.

NM_000478.6(ALPL):c.952C>A (p.Gln318Lys)

Gene: ALPL (alkaline phosphatase, biomineralization associated; plus strand). Cytogenetic location: 1p36.12.
Variant type: single nucleotide variant.
Coding change: c.952C>A on transcript NM_000478.6 (MANE Select); coding-DNA position 952, C replaced by A.
Protein change: p.Gln318Lys; replaces glutamine 318 with lysine.
Molecular consequence: missense variant.
Genome position (GRCh38, 1-based): chr1:21,573,754, C>A. VCF-style: chr1-21573754-C-A. GRCh37 (hg19) VCF-style: chr1-21900247-C-A.
Other names: c.787C>A, p.Gln263Lys (NM_001127501.4); c.721C>A, p.Gln241Lys (NM_001177520.3); c.952C>A, p.Gln318Lys (NM_001369803.2, NM_001369804.2, NM_001369805.2); c.952C>A (NM_000478.4); short protein forms Q241K, Q263K, Q318K.
Identifiers: ClinVar variation 1360402 (VCV001360402.8), dbSNP rs752356218, ClinGen allele CA666687.